The following is an entry in ClinVar:

ClinVar aggregate classification (germline): Conflicting classifications of pathogenicity. Review status: criteria provided, conflicting classifications (1 of 4 stars). 3 submissions from 3 submitters: Uncertain significance (2); Likely benign (1). Last evaluated 2025-03-26.

Conditions:
Low grade glioma. Identifiers: MedGen C1997217, MONDO:0021637.
Hereditary cancer-predisposing syndrome. Also called: Neoplastic Syndromes, Hereditary; Tumor predisposition; Hereditary Cancer Syndrome; Hereditary neoplastic syndrome. Identifiers: Orphanet 140162, MedGen C0027672, MeSH D009386, MONDO:0015356.
Hereditary breast ovarian cancer syndrome. Also called: Breast and ovarian cancer; BRCA1- and BRCA2-Associated Hereditary Breast and Ovarian Cancer; Hereditary breast and ovarian cancer; Hereditary breast and ovarian cancer syndrome (HBOC); Hereditary breast and/or ovarian cancer syndrome; Hereditary breast and ovarian cancer syndrome. Identifiers: Orphanet 145, MedGen C0677776, MeSH D061325, MONDO:0003582. Disease mechanism: loss of function.

gnomAD v4.1: 1 of 1,610,246 alleles (0.000062%); highest among the groups gnomAD compares: Non-Finnish European, 0.000085%; no homozygotes.

Submissions (3):

Ambry Genetics
Classification: Likely benign for Hereditary cancer-predisposing syndrome. Last evaluated: 2025-03-26. Review status: criteria provided, single submitter. Criteria: Ambry Variant Classification Scheme 2023. Collection method: clinical testing. Allele origin: germline.

Labcorp Genetics (formerly Invitae), Labcorp
Classification: Uncertain significance for Hereditary breast ovarian cancer syndrome. Last evaluated: 2024-06-12. Review status: criteria provided, single submitter. Criteria: Invitae Variant Classification Sherloc (09022015). Collection method: clinical testing. Allele origin: germline.
Comment: This sequence change replaces cysteine, which is neutral and slightly polar, with serine, which is neutral and polar, at codon 148 of the BRCA2 protein (p.Cys148Ser). This variant is present in population databases (no rsID available, gnomAD 0.0009%). This variant has not been reported in the literature in individuals affected with BRCA2-related conditions. ClinVar contains an entry for this variant (Variation ID: 650794). Advanced modeling of protein sequence and biophysical properties (such as structural, functional, and spatial information, amino acid conservation, physicochemical variation, residue mobility, and thermodynamic stability) performed at Invitae indicates that this missense variant is not expected to disrupt BRCA2 protein function with a negative predictive value of 95%. In summary, the available evidence is currently insufficient to determine the role of this variant in disease. Therefore, it has been classified as a Variant of Uncertain Significance.

Laboratory of Medical Genetics Unit, Bambino Gesù Children's Hospital
Classification: Uncertain significance for Low grade glioma. Review status: criteria provided, single submitter. Criteria: ACMG Guidelines, 2015. Collection method: research. Allele origin: germline. Affected: yes.
Comment: The variant NM_000059.4 (BRCA2): c.442T>A (p.Cys148Ser) is rare in GnomAD and it is not reported in literature. It is annotated on Clinvar as likely benign/vus associated with Hereditary Cancer-predisposing Syndrome [RCV002332646] and Hereditary Breast Ovarian Cancer Syndrome [RCV000806018]. It is classified as VUS variant following the ACMG criteria (PM2 and BP6).

NM_000059.4(BRCA2):c.442T>A (p.Cys148Ser)

Gene: BRCA2 (BRCA2 DNA repair associated; plus strand). Cytogenetic location: 13q13.1.
Variant type: single nucleotide variant.
Coding change: c.442T>A on transcript NM_000059.4 (MANE Select); coding-DNA position 442, T replaced by A.
Protein change: p.Cys148Ser; replaces cysteine 148 with serine.
Molecular consequence: missense variant.
Genome position (GRCh38, 1-based): chr13:32,326,117, T>A. VCF-style: chr13-32326117-T-A. GRCh37 (hg19) VCF-style: chr13-32900254-T-A.
Other names: short protein forms C148S.
Identifiers: ClinVar variation 650794 (VCV000650794.13), dbSNP rs80358677, ClinGen allele CA387757054.
Genomic context (GRCh38, chr13:32,326,117, plus strand): 5'-AGTTTTTTAAAATAACCTAAGGGATTTGCTTTGTTTTATTTTAGTCCTGTTGTTCTACAA[T>A]GTACACATGTAACACCACAAAGAGATAAGTCAGGTATGATTAAAAACAATGCTTTTTATT-3'
Protein context (NP_000050.3, residues 138-158): CLSESPVVLQ[Cys148Ser]THVTPQRDKS